The following is an entry in ClinVar:

ClinVar aggregate classification (germline): Uncertain significance (1 of 4 stars; one submission).

Submission:

Labcorp Genetics (formerly Invitae), Labcorp
Classification: Uncertain significance. Last evaluated: 2022-06-18. Review status: criteria provided, single submitter. Criteria: Invitae Variant Classification Sherloc (09022015). Collection method: clinical testing. Allele origin: germline.
Comment: This variant is a gross deletion of the genomic region encompassing exon(s) 2-6 of the C7 gene. This variant would be expected to be in-frame, preserving the integrity of the reading frame. This variant has not been reported in the literature in individuals affected with C7-related conditions. Experimental studies and prediction algorithms are not available or were not evaluated, and the functional significance of this variant is currently unknown. In summary, the available evidence is currently insufficient to determine the role of this variant in disease. Therefore, it has been classified as a Variant of Uncertain Significance.

NC_000005.9:g.(?_40928662)_(40937812_?)del

Gene: C7 (complement C7; plus strand). Cytogenetic location: 5p13.1.
Variant type: Deletion.
Identifiers: ClinVar variation 1409892 (VCV001409892.6).